The following is an entry in ClinVar:

NM_001943.5(DSG2):c.2647T>C (p.Ser883Pro)

Genes: DSG2 (desmoglein 2; plus strand), DSG2-AS1 (DSG2 antisense RNA 1; minus strand). Cytogenetic location: 18q12.1.
Variant type: single nucleotide variant.
Coding change: c.2647T>C on transcript NM_001943.5 (MANE Select); coding-DNA position 2647, T replaced by C.
Protein change: p.Ser883Pro; replaces serine 883 with proline.
Molecular consequence: missense variant.
Genome position (GRCh38, 1-based): chr18:31,546,033, T>C. VCF-style: chr18-31546033-T-C. GRCh37 (hg19) VCF-style: chr18-29125996-T-C.
Other names: p.S883P:TCC>CCC; short protein forms S883P.
Identifiers: ClinVar variation 36011 (VCV000036011.36), dbSNP rs34417028, ClinGen allele CA021844.

ClinVar aggregate classification (germline): Benign/Likely benign. Review status: criteria provided, multiple submitters, no conflicts (2 of 4 stars). 19 submissions from 19 submitters: Benign (12); Likely benign (2). 5 of the submissions do not count toward it. Last evaluated 2026-09-21.

Conditions:
Restrictive cardiomyopathy. Identifiers: Orphanet 217632, MedGen C0007196, MeSH D002313, MONDO:0005201, HP:0001723.
Cardiomyopathy (CMYO). Also called: Cardiomyopathies. Identifiers: Orphanet 167848, MedGen C0878544, MONDO:0004994, HP:0001638. Inheritance: Various modes of inheritance.
Dilated cardiomyopathy 1BB (CMD1BB). Also called: CARDIOMYOPATHY, DILATED, 1BB, SUSCEPTIBILITY TO. Identifiers: Orphanet 154, MedGen C2752072, MONDO:0013030, OMIM 612877.
Arrhythmogenic right ventricular dysplasia 10. Also called: Arrhythmogenic right ventricular dysplasia/cardiomyopathy, type 10; Arrhythmogenic Right Ventricular Dysplasia/Cardiomyopathy10; ARRHYTHMOGENIC RIGHT VENTRICULAR DYSPLASIA, FAMILIAL, 10. Identifiers: MedGen C1857777, MONDO:0012434, OMIM 610193.
Arrhythmogenic right ventricular cardiomyopathy (ARVD). Also called: Arrhythmogenic Right Ventricular Cardiomyopathy (ARVC); Cardiomyopathy, ARVC; Arrhythmogenic right ventricular dysplasia; Arrhythmogenic cardiomyopathy. Identifiers: Orphanet 247, MedGen C0349788, MeSH D019571, MONDO:0016587. Disease mechanism: loss of function. Inheritance: Various modes of inheritance.

Allele frequency attached by ClinVar (database versions not stated): gnomAD exomes 0.00061 and 0.00158; ExAC 0.00187; ESP Exome Variant Server 0.00561; 1000 Genomes Project 0.00619; 1000 Genomes Project 30x 0.00625; gnomAD 0.00611 and 0.00652; TOPMed 0.00674.

Submissions (19):

Molecular Diagnostic Laboratory for Inherited Cardiovascular Disease, Montreal Heart Institute
Classification: Benign. Last evaluated: 2026-09-21. Review status: criteria provided, single submitter. Criteria: ACMG Guidelines, 2015. Collection method: clinical testing. Allele origin: germline. Affected: no.
Comment: BS1;BP4;BP6

CeGaT Center for Human Genetics Tuebingen
Classification: Likely benign. Last evaluated: 2026-08-01. Review status: criteria provided, single submitter. Criteria: CeGaT Center For Human Genetics Tuebingen Variant Classification Criteria Version 2. Collection method: clinical testing. Allele origin: germline. Affected: yes. Observed: 2 variant alleles.
Comment: DSG2: BP4, BS1

Labcorp Genetics (formerly Invitae), Labcorp
Classification: Benign for Arrhythmogenic right ventricular dysplasia 10. Last evaluated: 2026-02-03. Review status: criteria provided, single submitter. Criteria: Invitae Variant Classification Sherloc (09022015). Collection method: clinical testing. Allele origin: germline.

Blueprint Genetics
Classification: Likely benign. Last evaluated: 2024-09-13. Review status: criteria provided, single submitter. Criteria: ACMG Guidelines, 2015. Collection method: clinical testing. Allele origin: germline.

All of Us Research Program, National Institutes of Health
Classification: Benign for Arrhythmogenic right ventricular cardiomyopathy. Last evaluated: 2024-02-05. Review status: criteria provided, single submitter. Criteria: ACMG Guidelines, 2015. Collection method: clinical testing. Allele origin: germline. Inheritance: Autosomal dominant inheritance. Observed: 371 variant alleles, 366 heterozygotes, 5 homozygotes.
Comment: This study involves interpretation of variants in research participants for the purpose of population health screening. Participant phenotype was not available at the time of variant classification. Additional details can be found in publication PMID: 35346344, PMCID: PMC8962531

ARUP Laboratories, Molecular Genetics and Genomics, ARUP Laboratories
Classification: Benign. Last evaluated: 2023-10-10. Review status: criteria provided, single submitter. Criteria: ARUP Molecular Germline Variant Investigation Process 2024. Collection method: clinical testing. Allele origin: germline.

CHEO Genetics Diagnostic Laboratory, Children's Hospital of Eastern Ontario
Classification: Benign for Cardiomyopathy. Last evaluated: 2023-01-18. Review status: criteria provided, single submitter. Criteria: ACMG Guidelines, 2015. Collection method: clinical testing. Allele origin: germline.

Fulgent Genetics
Classification: Benign for Arrhythmogenic right ventricular dysplasia 10; Dilated cardiomyopathy 1BB. Last evaluated: 2021-12-03. Review status: criteria provided, single submitter. Criteria: ACMG Guidelines, 2015. Collection method: clinical testing. Allele origin: unknown.

Center for Advanced Laboratory Medicine, UC San Diego Health, University of California San Diego
Classification: Benign for Restrictive cardiomyopathy; Cardiomyopathy. Last evaluated: 2018-08-13. Review status: criteria provided, single submitter. Criteria: ACMG Guidelines, 2015. Collection method: clinical testing. Allele origin: germline. Affected: yes. Observed: 2 variant alleles.

Color Diagnostics, LLC DBA Color Health
Classification: Benign for Cardiomyopathy. Last evaluated: 2018-06-04. Review status: criteria provided, single submitter. Criteria: ACMG Guidelines, 2015. Collection method: clinical testing. Allele origin: germline.

GeneDx
Classification: Benign. Last evaluated: 2013-10-10. Review status: criteria provided, single submitter. Criteria: GeneDx Variant Classification (06012015). Collection method: clinical testing. Allele origin: germline. Affected: yes.
Comment: This variant is considered likely benign or benign based on one or more of the following criteria: it is a conservative change, it occurs at a poorly conserved position in the protein, it is predicted to be benign by multiple in silico algorithms, and/or has population frequency not consistent with disease.

Biesecker Lab/Clinical Genomics Section, National Institutes of Health
Classification: Benign. Last evaluated: 2013-06-24. Review status: criteria provided, single submitter. Criteria: Ng et al. (Circ Cardiovasc Genet. 2013). Collection method: research. Allele origin: unknown. Observed: 3 variant alleles. Study: ClinSeq.
Comment: The study set was not selected for affection status in relation to any cancer. Pathogenicity categories were based on literature curation. See Pubmed ID:23861362 for details.

Medical sequencing

Laboratory for Molecular Medicine, Mass General Brigham Personalized Medicine
Classification: Benign. Last evaluated: 2012-03-19. Review status: criteria provided, single submitter. Criteria: LMM Criteria. Collection method: clinical testing. Allele origin: germline. Observed: 13 variant alleles.
Comment: Ser883Pro in exon 15 of DGS2: This variant is not expected to have clinical sign ificance because it has been identified in 1.9% (57/3044) of African American ch romosomes from a broad population by the NHLBI Exome Sequencing Project (dbSNP rs34417028)

Breakthrough Genomics
Classification: Benign. Review status: criteria provided, single submitter. Criteria: ACMG Guidelines, 2015. Collection method: not provided. Allele origin: germline. Inheritance: Autosomal recessive inheritance. Affected: yes.

Women's Health and Genetics/Laboratory Corporation of America, LabCorp
Classification: Benign for Cardiomyopathy. Last evaluated: 2014-05-12. Review status: no assertion criteria provided. Collection method: clinical testing. Allele origin: germline. Not counted in ClinVar's aggregate classification.

Clinical Genetics DNA and cytogenetics Diagnostics Lab, Erasmus MC, Erasmus Medical Center
Classification: Benign. Review status: no assertion criteria provided. Collection method: clinical testing. Allele origin: germline. Affected: yes. Study: VKGL Data-share Consensus. Not counted in ClinVar's aggregate classification.

Clinical Genetics, Academic Medical Center
Classification: Benign. Review status: no assertion criteria provided. Collection method: clinical testing. Allele origin: germline. Affected: yes. Study: VKGL Data-share Consensus. Not counted in ClinVar's aggregate classification.

Genome Diagnostics Laboratory, University Medical Center Utrecht
Classification: Benign. Review status: no assertion criteria provided. Collection method: clinical testing. Allele origin: germline. Affected: yes. Study: VKGL Data-share Consensus. Not counted in ClinVar's aggregate classification.

Joint Genome Diagnostic Labs from Nijmegen and Maastricht, Radboudumc and MUMC+
Classification: Benign. Review status: no assertion criteria provided. Collection method: clinical testing. Allele origin: germline. Affected: yes. Study: VKGL Data-share Consensus. Not counted in ClinVar's aggregate classification.